The following is an entry in ClinVar:

ClinVar aggregate classification (germline): Benign/Likely benign. Review status: criteria provided, multiple submitters, no conflicts (2 of 4 stars). 3 submissions from 3 submitters: Benign (1); Likely benign (2). Last evaluated 2025-05-19.

Conditions:
Tuberous sclerosis 2 (TSC2). Identifiers: Orphanet 805, MedGen C1860707, MONDO:0013199, OMIM 613254.
Hereditary cancer-predisposing syndrome. Also called: Tumor predisposition; Hereditary Cancer Syndrome; Neoplastic Syndromes, Hereditary; Hereditary neoplastic syndrome. Identifiers: Orphanet 140162, MedGen C0027672, MeSH D009386, MONDO:0015356.

Submissions (3):

Myriad Genetics, Inc.
Classification: Benign for Tuberous sclerosis 2. Last evaluated: 2025-05-19. Review status: criteria provided, single submitter. Criteria: Myriad Autosomal Dominant, Autosomal Recessive and X-Linked Classification Criteria (2023). Collection method: clinical testing. Allele origin: unknown.
Comment: This variant is considered benign. This variant is a silent/synonymous amino acid change and it is not expected to impact splicing.

Ambry Genetics
Classification: Likely benign for Hereditary cancer-predisposing syndrome. Last evaluated: 2025-04-06. Review status: criteria provided, single submitter. Criteria: Ambry Variant Classification Scheme 2023. Collection method: clinical testing. Allele origin: germline.

Labcorp Genetics (formerly Invitae), Labcorp
Classification: Likely benign for Tuberous sclerosis 2. Last evaluated: 2023-12-06. Review status: criteria provided, single submitter. Criteria: Invitae Variant Classification Sherloc (09022015). Collection method: clinical testing. Allele origin: germline.

NM_000548.5(TSC2):c.2217C>T (p.Ser739=)

Gene: TSC2 (TSC complex subunit 2; plus strand). Cytogenetic location: 16p13.3.
Variant type: single nucleotide variant.
Coding change: c.2217C>T on transcript NM_000548.5 (MANE Select); coding-DNA position 2217, C replaced by T.
Protein change: p.Ser739=; no amino-acid change (serine 739 retained).
Molecular consequence: synonymous variant.
Genome position (GRCh38, 1-based): chr16:2,072,360, C>T. VCF-style: chr16-2072360-C-T. GRCh37 (hg19) VCF-style: chr16-2122361-C-T.
Other names: c.2217C>T, p.Ser739= (NM_001077183.3, NM_001114382.3, NM_001363528.2 and 3 more transcripts); c.2106C>T, p.Ser702= (NM_001318827.2); c.2070C>T, p.Ser690= (NM_001318829.2); c.1617C>T, p.Ser539= (NM_001318831.2); c.2250C>T, p.Ser750= (NM_001318832.2).
Identifiers: ClinVar variation 757323 (VCV000757323.11), dbSNP rs1596347651, ClinGen allele CA492951379.